The following is an entry in ClinVar:

ClinVar aggregate classification (germline): Uncertain significance. Review status: criteria provided, multiple submitters, no conflicts (2 of 4 stars). 2 submissions from 2 submitters: Uncertain significance (2). Last evaluated 2024-04-16.

Conditions:
Inborn genetic diseases. Identifiers: MedGen C0950123, MeSH D030342.

Allele frequency attached by ClinVar (database versions not stated): gnomAD exomes below 0.00001; TOPMed 0.00001.
gnomAD v4.1: 11 of 1,613,374 alleles (0.00068%); highest among the groups gnomAD compares: African/African-American, 0.008%; 2 homozygotes.

Submissions (2):

Labcorp Genetics (formerly Invitae), Labcorp
Classification: Uncertain significance. Last evaluated: 2024-04-16. Review status: criteria provided, single submitter. Criteria: Invitae Variant Classification Sherloc (09022015). Collection method: clinical testing. Allele origin: germline.
Comment: This sequence change replaces glutamic acid, which is acidic and polar, with aspartic acid, which is acidic and polar, at codon 228 of the LONP1 protein (p.Glu228Asp). This variant is not present in population databases (gnomAD no frequency). This variant has not been reported in the literature in individuals affected with LONP1-related conditions. ClinVar contains an entry for this variant (Variation ID: 1476920). An algorithm developed to predict the effect of missense changes on protein structure and function (PolyPhen-2) suggests that this variant is likely to be tolerated. In summary, the available evidence is currently insufficient to determine the role of this variant in disease. Therefore, it has been classified as a Variant of Uncertain Significance.

Ambry Genetics
Classification: Uncertain significance for Inborn genetic diseases. Last evaluated: 2022-07-24. Review status: criteria provided, single submitter. Criteria: Ambry Variant Classification Scheme 2023. Collection method: clinical testing. Allele origin: germline.

NM_004793.4(LONP1):c.684G>C (p.Glu228Asp)

Gene: LONP1 (lon peptidase 1, mitochondrial; minus strand). Cytogenetic location: 19p13.3.
Variant type: single nucleotide variant.
Coding change: c.684G>C on transcript NM_004793.4 (MANE Select); coding-DNA position 684, G replaced by C.
Protein change: p.Glu228Asp; replaces glutamic acid 228 with aspartic acid.
Molecular consequence: missense variant. On other transcripts: non-coding transcript variant (1).
Genome position (GRCh38, 1-based): chr19:5,711,957, C>G on the plus strand (G>C on the coding strand, the complement: LONP1 is on the minus strand). VCF-style: chr19-5711957-C-G. GRCh37 (hg19) VCF-style: chr19-5711968-C-G.
Other names: c.492G>C, p.Glu164Asp (NM_001276479.2); c.96G>C, p.Glu32Asp (NM_001276480.1); c.684G>C (NM_004793.2); short protein forms E164D, E228D, E32D.
Identifiers: ClinVar variation 1476920 (VCV001476920.9), dbSNP rs1198967049, ClinGen allele CA403539230.